The following is an entry in ClinVar:

ClinVar aggregate classification (germline): Conflicting classifications of pathogenicity. Review status: criteria provided, conflicting classifications (1 of 4 stars). 2 submissions from 2 submitters: Uncertain significance (1); Benign (1). Last evaluated 2015-11-24.

Conditions:
Neonatal insulin-dependent diabetes mellitus. Identifiers: MedGen C3278636, HP:0000857.

Allele frequency attached by ClinVar (database versions not stated): gnomAD 0.00016; TOPMed 0.00028; 1000 Genomes Project 30x 0.00031.
gnomAD v4.1: 577 of 1,348,130 alleles (0.043%); highest among the groups gnomAD compares: Non-Finnish European, 0.054%; no homozygotes.

Submissions (2):

Genetic Services Laboratory, University of Chicago
Classification: Uncertain significance. Last evaluated: 2015-11-24. Review status: criteria provided, single submitter. Criteria: ACMG Guidelines, 2015. Collection method: clinical testing. Allele origin: germline. Affected: no.

Clinical Genomics, Uppaluri K&H Personalized Medicine Clinic
Classification: Benign for Neonatal insulin-dependent diabetes mellitus. Review status: criteria provided, single submitter. Criteria: K & H Uppaluri Personalized Medicine Clinic Variant Classification & Assertion Criteria_Updated V.1. Collection method: research. Allele origin: unknown.
Comment: Mutations in INS gene can cause early onset diabetes mellitus which is insulin dependent. May have poor response to sulfonylureas, as this mutation can cause beta cell destruction. However no sufficient evidence is found to ascertain the role of this particular variant rs565314634, yet.

Literature cited by the submitters: PubMed 11921414 (cited by Clinical Genomics, Uppaluri K&H Personalized Medicine Clinic); PubMed 25542748 (cited by Clinical Genomics, Uppaluri K&H Personalized Medicine Clinic); PubMed 26101329 (cited by Clinical Genomics, Uppaluri K&H Personalized Medicine Clinic); PubMed 18171712 (cited by Clinical Genomics, Uppaluri K&H Personalized Medicine Clinic).

NM_000207.3(INS):c.188-96G>A

Genes: INS (insulin; minus strand), INS-IGF2 (INS-IGF2 readthrough; minus strand). Cytogenetic location: 11p15.5.
Variant type: single nucleotide variant.
Coding change: c.188-96G>A on transcript NM_000207.3 (MANE Select); 96 bases into the intron before coding-DNA position 188, G replaced by A.
Molecular consequence: intron variant.
Genome position (GRCh38, 1-based): chr11:2,160,093, C>T on the plus strand (G>A on the coding strand, the complement: INS is on the minus strand). VCF-style: chr11-2160093-C-T. GRCh37 (hg19) VCF-style: chr11-2181323-C-T.
Other names: c.187+692G>A (NM_001042376.3); c.188-96G>A (NM_001185097.2, NM_001291897.2, NM_001185098.2).
Identifiers: ClinVar variation 435501 (VCV000435501.7), dbSNP rs565314634, ClinGen allele CA216275510.